The following is an entry in ClinVar:

NM_004329.3(BMPR1A):c.430+1G>T

Gene: BMPR1A (bone morphogenetic protein receptor type 1A; plus strand). Cytogenetic location: 10q23.2.
Variant type: single nucleotide variant.
Coding change: c.430+1G>T on transcript NM_004329.3 (MANE Select); the canonical splice donor site of the intron after coding-DNA position 430, G replaced by T.
Molecular consequence: splice donor variant. On other transcripts: intron variant (1).
Genome position (GRCh38, 1-based): chr10:86,899,891, G>T. VCF-style: chr10-86899891-G-T. GRCh37 (hg19) VCF-style: chr10-88659648-G-T.
Other names: c.430+1G>T (NM_001406562.1, NM_001406568.1, NM_001406567.1 and 22 more transcripts); c.346+1G>T (NM_001406584.1, NM_001406588.1, NM_001406587.1 and 2 more transcripts); c.333+7662G>T (NM_001406589.1).
Identifiers: ClinVar variation 2584235 (VCV002584235.2), dbSNP rs1843283551, ClinGen allele CA377449925.

ClinVar aggregate classification (germline): Likely pathogenic (1 of 4 stars; one submission).

Conditions:
Juvenile polyposis syndrome (JPS). Identifiers: Orphanet 2929, MedGen C0345893, MONDO:0017380, OMIM 174900.

Submission:

Myriad Genetics, Inc.
Classification: Likely pathogenic for Juvenile polyposis syndrome. Last evaluated: 2023-05-26. Review status: criteria provided, single submitter. Criteria: Myriad Autosomal Dominant, Autosomal Recessive and X-Linked Classification Criteria (2023). Collection method: clinical testing. Allele origin: unknown.
Comment: This variant is considered likely pathogenic. This variant occurs within a consensus splice junction and is predicted to result in abnormal mRNA splicing of either an out-of-frame exon or an in-frame exon necessary for protein stability and/or normal function.